The following is an entry in ClinVar:

NM_014795.4(ZEB2):c.1102C>T (p.Gln368Ter)

Gene: ZEB2 (zinc finger E-box binding homeobox 2; minus strand). Cytogenetic location: 2q22.3.
Variant type: single nucleotide variant.
Coding change: c.1102C>T on transcript NM_014795.4 (MANE Select); coding-DNA position 1102, C replaced by T.
Protein change: p.Gln368Ter; replaces glutamine 368 with a stop codon.
Molecular consequence: nonsense.
Genome position (GRCh38, 1-based): chr2:144,400,085, G>A on the plus strand (C>T on the coding strand, the complement: ZEB2 is on the minus strand). VCF-style: chr2-144400085-G-A. GRCh37 (hg19) VCF-style: chr2-145157652-G-A.
Other names: c.1030C>T, p.Gln344Ter (NM_001171653.2); short protein forms Q368*, Q344*.
Identifiers: ClinVar variation 280042 (VCV000280042.15), dbSNP rs886041338, ClinGen allele CA10602807.

ClinVar aggregate classification (germline): Pathogenic. Review status: criteria provided, multiple submitters, no conflicts (2 of 4 stars). 4 submissions from 4 submitters: Pathogenic (4). Last evaluated 2022-07-26.

Conditions:
Mowat-Wilson syndrome (MOWS). Also called: Classic Mowat-Wilson Syndrome. Identifiers: Orphanet 2152, MedGen C1856113, MONDO:0009341, OMIM 235730.

Submissions (4):

Labcorp Genetics (formerly Invitae), Labcorp
Classification: Pathogenic for Mowat-Wilson syndrome. Last evaluated: 2022-07-26. Review status: criteria provided, single submitter. Criteria: Invitae Variant Classification Sherloc (09022015). Collection method: clinical testing. Allele origin: germline.
Comment: For these reasons, this variant has been classified as Pathogenic. ClinVar contains an entry for this variant (Variation ID: 280042). This premature translational stop signal has been observed in individual(s) with clinical features of Mowat-Wilson syndrome (PMID: 17203459, 30315573). In at least one individual the variant was observed to be de novo. This variant is not present in population databases (gnomAD no frequency). This sequence change creates a premature translational stop signal (p.Gln368*) in the ZEB2 gene. It is expected to result in an absent or disrupted protein product. Loss-of-function variants in ZEB2 are known to be pathogenic (PMID: 16053902).

Genome-Nilou Lab
Classification: Pathogenic for Mowat-Wilson syndrome. Last evaluated: 2021-11-07. Review status: criteria provided, single submitter. Criteria: ACMG Guidelines, 2015. Collection method: clinical testing. Allele origin: germline. Affected: no.

Eurofins Ntd Llc (ga)
Classification: Pathogenic. Last evaluated: 2016-06-20. Review status: criteria provided, single submitter. Criteria: EGL Classification Definitions 2015. Collection method: clinical testing. Allele origin: germline. Observed: 2 variant alleles, 2 heterozygotes.

GeneDx
Classification: Pathogenic. Last evaluated: 2016-05-05. Review status: criteria provided, single submitter. Criteria: GeneDx Variant Classification (06012015). Collection method: clinical testing. Allele origin: germline. Affected: yes.
Comment: The Q368X nonsense variant in the ZEB2 gene has been reported previously in association with Mowat-Wilson syndrome (Dastot-Le Moal et al., 2007). The Q368X variant was not observed in approximately 6,500 individuals of European and African American ancestry in the NHLBI Exome Sequencing Project, indicating it is not a common benign variant in these populations. This pathogenic variant is predicted to cause loss of normal protein function either through protein truncation or nonsense-mediated mRNA decay. Therefore, we interpret Q368X to be a pathogenic variant.

Literature cited by the submitters: PubMed 17203459 (cited by Labcorp Genetics (formerly Invitae), Labcorp); PubMed 30315573 (cited by Labcorp Genetics (formerly Invitae), Labcorp); PubMed 16053902 (cited by Labcorp Genetics (formerly Invitae), Labcorp).